The following is an entry in ClinVar:

ClinVar aggregate classification (germline): Uncertain significance (1 of 4 stars; one submission).

Allele frequency attached by ClinVar (database versions not stated): ExAC 0.00001; gnomAD exomes 0.00001.

Submission:

Labcorp Genetics (formerly Invitae), Labcorp
Classification: Uncertain significance. Last evaluated: 2022-11-29. Review status: criteria provided, single submitter. Criteria: Invitae Variant Classification Sherloc (09022015). Collection method: clinical testing. Allele origin: germline.
Comment: This sequence change replaces glutamic acid, which is acidic and polar, with lysine, which is basic and polar, at codon 177 of the BCAT2 protein (p.Glu177Lys). This variant is present in population databases (rs193099355, gnomAD 0.003%). This variant has not been reported in the literature in individuals affected with BCAT2-related conditions. Algorithms developed to predict the effect of missense changes on protein structure and function are either unavailable or do not agree on the potential impact of this missense change (SIFT: "Deleterious"; PolyPhen-2: "Probably Damaging"; Align-GVGD: "Class C0"). In summary, the available evidence is currently insufficient to determine the role of this variant in disease. Therefore, it has been classified as a Variant of Uncertain Significance.

NM_001190.4(BCAT2):c.529G>A (p.Glu177Lys)

Gene: BCAT2 (branched chain amino acid transaminase 2; minus strand). Cytogenetic location: 19q13.33.
Variant type: single nucleotide variant.
Coding change: c.529G>A on transcript NM_001190.4 (MANE Select); coding-DNA position 529, G replaced by A.
Protein change: p.Glu177Lys; replaces glutamic acid 177 with lysine.
Molecular consequence: missense variant.
Genome position (GRCh38, 1-based): chr19:48,799,983, C>T on the plus strand (G>A on the coding strand, the complement: BCAT2 is on the minus strand). VCF-style: chr19-48799983-C-T. GRCh37 (hg19) VCF-style: chr19-49303240-C-T.
Other names: c.253G>A, p.Glu85Lys (NM_001164773.2); c.409G>A, p.Glu137Lys (NM_001284325.2); short protein forms E177K, E137K, E85K.
Identifiers: ClinVar variation 2103492 (VCV002103492.4), dbSNP rs193099355, ClinGen allele CA9558394.